The following is an entry in ClinVar:

ClinVar aggregate classification (germline): Pathogenic (1 of 4 stars; one submission).

Submission:

Labcorp Genetics (formerly Invitae), Labcorp
Classification: Pathogenic. Last evaluated: 2023-12-14. Review status: criteria provided, single submitter. Criteria: Invitae Variant Classification Sherloc (09022015). Collection method: clinical testing. Allele origin: germline.
Comment: This sequence change creates a premature translational stop signal (p.Trp239*) in the CYP19A1 gene. It is expected to result in an absent or disrupted protein product. Loss-of-function variants in CYP19A1 are known to be pathogenic (PMID: 14602738, 27086564, 27256151). This variant is not present in population databases (gnomAD no frequency). This variant has not been reported in the literature in individuals affected with CYP19A1-related conditions. ClinVar contains an entry for this variant (Variation ID: 1356031). Algorithms developed to predict the effect of sequence changes on RNA splicing suggest that this variant may disrupt the consensus splice site. For these reasons, this variant has been classified as Pathogenic.

Literature cited by the submitters: PubMed 14602738; PubMed 27086564; PubMed 27256151.

NM_000103.4(CYP19A1):c.716G>A (p.Trp239Ter)

Genes: CYP19A1 (cytochrome P450 family 19 subfamily A member 1; minus strand), MIR4713HG (MIR4713 host gene; plus strand), PIRC66 (piwi-interacting RNA cluster 66; plus strand). Cytogenetic location: 15q21.2.
Variant type: single nucleotide variant.
Coding change: c.716G>A on transcript NM_000103.4 (MANE Select); coding-DNA position 716, G replaced by A.
Protein change: p.Trp239Ter; replaces tryptophan 239 with a stop codon.
Molecular consequence: nonsense.
Genome position (GRCh38, 1-based): chr15:51,218,568, C>T on the plus strand (G>A on the coding strand, the complement: CYP19A1 is on the minus strand). VCF-style: chr15-51218568-C-T. GRCh37 (hg19) VCF-style: chr15-51510765-C-T.
Other names: c.716G>A, p.Trp239Ter (NM_001347248.1, NM_001347249.2, NM_001347250.2 and 7 more transcripts); short protein forms W239*.
Identifiers: ClinVar variation 1356031 (VCV001356031.6), dbSNP rs2141051168, ClinGen allele CA392425980.